The following is an entry in ClinVar:

ClinVar aggregate classification (germline): Benign. Review status: criteria provided, multiple submitters, no conflicts (2 of 4 stars). 3 submissions from 3 submitters: Benign (3). Last evaluated 2026-01-21.

Allele frequency attached by ClinVar (database versions not stated): gnomAD exomes 0.15406; ESP Exome Variant Server 0.16785; ExAC 0.18437; gnomAD 0.18787; 1000 Genomes Project 0.19828; 1000 Genomes Project 30x 0.20019; TOPMed 0.20141.
gnomAD v4.1: 254,177 of 1,612,714 alleles (16%); highest among the groups gnomAD compares: Admixed American, 38%; 22,807 homozygotes.

Submissions (3):

Women's Health and Genetics/Laboratory Corporation of America, LabCorp
Classification: Benign. Last evaluated: 2026-01-21. Review status: criteria provided, single submitter. Criteria: LabCorp Variant Classification Summary - May 2015. Collection method: clinical testing. Allele origin: germline.

Unidad de Genómica Garrahan, Hospital de Pediatría Garrahan
Classification: Benign. Last evaluated: 2024-01-24. Review status: criteria provided, single submitter. Criteria: ACMG Guidelines, 2015. Collection method: clinical testing. Allele origin: germline. Affected: no. Observed: 60 variant alleles.
Comment: This variant is classified as Benign based on local population frequency. This variant was detected in 63% of patients studied by a panel of primary immunodeficiencies. Number of patients: 60. Only high quality variants are reported.

Mayo Clinic Laboratories, Mayo Clinic
Classification: Benign. Last evaluated: 2022-09-06. Review status: criteria provided, single submitter. Criteria: ACMG Guidelines, 2015. Collection method: clinical testing. Allele origin: germline. Observed: 16 variant alleles.

NM_003177.7(SYK):c.1521C>T (p.Tyr507=)

Gene: SYK (spleen associated tyrosine kinase; plus strand). Cytogenetic location: 9q22.2.
Variant type: single nucleotide variant.
Coding change: c.1521C>T on transcript NM_003177.7 (MANE Select); coding-DNA position 1521, C replaced by T.
Protein change: p.Tyr507=; no amino-acid change (tyrosine 507 retained).
Molecular consequence: synonymous variant.
Genome position (GRCh38, 1-based): chr9:90,878,893, C>T. VCF-style: chr9-90878893-C-T. GRCh37 (hg19) VCF-style: chr9-93641175-C-T.
Other names: p.Tyr507=; c.1452C>T, p.Tyr484= (NM_001135052.4, NM_001174168.3); c.1521C>T, p.Tyr507= (NM_001174167.3).
Identifiers: ClinVar variation 2688055 (VCV002688055.4), dbSNP rs2306041, ClinGen allele CA5119513.
Genomic context (GRCh38, chr9:90,878,893, plus strand): 5'-GAGCAATTTTGTGCACAGAGATCTGGCTGCAAGAAATGTGTTGCTAGTTACCCAACATTA[C>T]GCCAAGATCAGTGATTTCGGACTTTCCAAAGCACTGCGTGCTGATGAAAACTACTACAAG-3'
Protein context (NP_003168.2, residues 497-517): ARNVLLVTQH[Tyr507=]AKISDFGLSK